The following is an entry in ClinVar:

ClinVar aggregate classification (germline): Uncertain significance (1 of 4 stars; one submission).

Conditions:
Hereditary cancer-predisposing syndrome. Also called: Neoplastic Syndromes, Hereditary; Hereditary Cancer Syndrome; Hereditary neoplastic syndrome; Tumor predisposition. Identifiers: Orphanet 140162, MedGen C0027672, MeSH D009386, MONDO:0015356.

Submission:

Ambry Genetics
Classification: Uncertain significance for Hereditary cancer-predisposing syndrome. Last evaluated: 2022-08-07. Review status: criteria provided, single submitter. Criteria: Ambry Variant Classification Scheme 2023. Collection method: clinical testing. Allele origin: germline.
Comment: The p.E648A variant (also known as c.1943A>C), located in coding exon 10 of the BARD1 gene, results from an A to C substitution at nucleotide position 1943. The glutamic acid at codon 648 is replaced by alanine, an amino acid with dissimilar properties. This amino acid position is highly conserved in available vertebrate species. In addition, the in silico prediction for this alteration is inconclusive. Since supporting evidence is limited at this time, the clinical significance of this alteration remains unclear.

NM_000465.4(BARD1):c.1943A>C (p.Glu648Ala)

Gene: BARD1 (BRCA1 associated RING domain 1; minus strand). Cytogenetic location: 2q35.
Variant type: single nucleotide variant.
Coding change: c.1943A>C on transcript NM_000465.4 (MANE Select); coding-DNA position 1943, A replaced by C.
Protein change: p.Glu648Ala; replaces glutamic acid 648 with alanine.
Molecular consequence: missense variant. On other transcripts: non-coding transcript variant (3).
Genome position (GRCh38, 1-based): chr2:214,730,469, T>G on the plus strand (A>C on the coding strand, the complement: BARD1 is on the minus strand). VCF-style: chr2-214730469-T-G. GRCh37 (hg19) VCF-style: chr2-215595193-T-G.
Other names: c.1886A>C, p.Glu629Ala (NM_001282543.2); c.590A>C, p.Glu197Ala (NM_001282545.2); c.533A>C, p.Glu178Ala (NM_001282548.2); c.404A>C, p.Glu135Ala (NM_001282549.2); short protein forms E648A, E135A, E178A, E197A, E629A.
Identifiers: ClinVar variation 479157 (VCV000479157.5), dbSNP rs1553612519, ClinGen allele CA350451197.
Genomic context (GRCh38, chr2:214,730,469, plus strand): 5'-ACCAGCTGTTCTCTGTTGAGCCTGCTTCTGCGTGGACCTTCAGGAATTTCATACTTTTCT[T>G]CCTGTTCACATACTTTTCTTCGTAGACATGCTTTTACCCCTGACAAAAACACAAGAATTA-3'
Protein context (NP_000456.2, residues 638-658): ACLRRKVCEQ[Glu648Ala]EKYEIPEGPR